The following is an entry in ClinVar:

NM_004519.4(KCNQ3):c.2057A>G (p.Asn686Ser)

Gene: KCNQ3 (potassium voltage-gated channel subfamily Q member 3; minus strand). Cytogenetic location: 8q24.22.
Variant type: single nucleotide variant.
Coding change: c.2057A>G on transcript NM_004519.4 (MANE Select); coding-DNA position 2057, A replaced by G.
Protein change: p.Asn686Ser; replaces asparagine 686 with serine.
Molecular consequence: missense variant.
Genome position (GRCh38, 1-based): chr8:132,129,824, T>C on the plus strand (A>G on the coding strand, the complement: KCNQ3 is on the minus strand). VCF-style: chr8-132129824-T-C. GRCh37 (hg19) VCF-style: chr8-133142071-T-C.
Other names: c.1697A>G, p.Asn566Ser (NM_001204824.2); short protein forms N686S, N566S.
Identifiers: ClinVar variation 837953 (VCV000837953.7), dbSNP rs779744869, ClinGen allele CA4880514.

ClinVar aggregate classification (germline): Uncertain significance (1 of 4 stars; one submission).

Conditions:
Benign neonatal seizures. Also called: Benign familial neonatal epilepsy; Convulsions benign familial neonatal dominant form; Autosomal dominant form of benign neonatal seizures; Benign neonatal familial convulsions; Benign familial neonatal seizures. Identifiers: MONDO:0016027, Orphanet 1949, MedGen C0220669.

Allele frequency attached by ClinVar (database versions not stated): gnomAD exomes 0.00001 and 0.00002; TOPMed 0.00001; ExAC 0.00002.
gnomAD v4.1: 8 of 1,614,202 alleles (0.0005%); highest among the groups gnomAD compares: Admixed American, 0.013%; no homozygotes.

Submission:

Labcorp Genetics (formerly Invitae), Labcorp
Classification: Uncertain significance for Benign neonatal seizures. Last evaluated: 2023-11-24. Review status: criteria provided, single submitter. Criteria: Invitae Variant Classification Sherloc (09022015). Collection method: clinical testing. Allele origin: germline.
Comment: This sequence change replaces asparagine, which is neutral and polar, with serine, which is neutral and polar, at codon 686 of the KCNQ3 protein (p.Asn686Ser). This variant is present in population databases (rs779744869, gnomAD 0.01%). This variant has not been reported in the literature in individuals affected with KCNQ3-related conditions. ClinVar contains an entry for this variant (Variation ID: 837953). Advanced modeling of protein sequence and biophysical properties (such as structural, functional, and spatial information, amino acid conservation, physicochemical variation, residue mobility, and thermodynamic stability) performed at Invitae indicates that this missense variant is not expected to disrupt KCNQ3 protein function with a negative predictive value of 80%. In summary, the available evidence is currently insufficient to determine the role of this variant in disease. Therefore, it has been classified as a Variant of Uncertain Significance.